The following is an entry in ClinVar:

NM_005327.7(HADH):c.710-791G>C

Gene: HADH (hydroxyacyl-CoA dehydrogenase; plus strand). Cytogenetic location: 4q25.
Variant type: single nucleotide variant.
Coding change: c.710-791G>C on transcript NM_005327.7 (MANE Select); 791 bases into the intron before coding-DNA position 710, G replaced by C.
Molecular consequence: intron variant.
Genome position (GRCh38, 1-based): chr4:108,032,385, G>C. VCF-style: chr4-108032385-G-C. GRCh37 (hg19) VCF-style: chr4-108953541-G-C.
Other names: c.760+8G>C (NM_001184705.4); c.722-791G>C (NM_001331027.2).
Identifiers: ClinVar variation 3349755 (VCV003349755.1).

ClinVar aggregate classification (germline): Likely benign (0 of 4 stars; one submission).

Conditions:
HADH-related disorder. Also called: HADH-related condition.

gnomAD v4.1: 3 of 1,581,916 alleles (0.00019%); highest among the groups gnomAD compares: African/African-American, 0.004%; no homozygotes.

Submission:

PreventionGenetics, part of Exact Sciences
Classification: Likely benign for HADH-related condition. Last evaluated: 2024-03-13. Review status: no assertion criteria provided. Collection method: clinical testing. Allele origin: germline.
Comment: This variant is classified as likely benign based on ACMG/AMP sequence variant interpretation guidelines (Richards et al. 2015 PMID: 25741868, with internal and published modifications).